The following is an entry in ClinVar:

NM_001039469.3(MARK2):c.643T>C (p.Tyr215His)

Gene: MARK2 (microtubule affinity regulating kinase 2; plus strand). Cytogenetic location: 11q13.1.
Variant type: single nucleotide variant.
Coding change: c.643T>C on transcript NM_001039469.3 (MANE Select); coding-DNA position 643, T replaced by C.
Protein change: p.Tyr215His; replaces tyrosine 215 with histidine.
Molecular consequence: missense variant.
Genome position (GRCh38, 1-based): chr11:63,899,985, T>C. VCF-style: chr11-63899985-T-C. GRCh37 (hg19) VCF-style: chr11-63667457-T-C.
Other names: c.643T>C, p.Tyr215His (NM_001163296.2, NM_001163297.2, NM_004954.5); c.544T>C, p.Tyr182His (NM_017490.4); short protein forms Y182H, Y215H.
Identifiers: ClinVar variation 4532756 (VCV004532756.1).

ClinVar aggregate classification (germline): Uncertain significance (1 of 4 stars; one submission).

Submission:

GeneDx
Classification: Uncertain significance. Last evaluated: 2025-06-01. Review status: criteria provided, single submitter. Criteria: GeneDx Variant Classification Process June 2021. Collection method: clinical testing. Allele origin: germline. Affected: yes.
Comment: Not observed at significant frequency in large population cohorts (gnomAD); In silico analysis supports that this missense variant has a deleterious effect on protein structure/function; Has not been previously published as pathogenic or benign to our knowledge